The following is an entry in ClinVar:

NM_000093.5(COL5A1):c.3514dup (p.Asp1172fs)

Gene: COL5A1 (collagen type V alpha 1 chain; plus strand). Cytogenetic location: 9q34.3.
Variant type: Duplication.
Coding change: c.3514dup on transcript NM_000093.5 (MANE Select); coding-DNA position 3514, one base duplicated (G; older notation c.3514dupG).
Protein change: p.Asp1172fs; shifts the reading frame from aspartic acid 1172.
Molecular consequence: frameshift variant.
Genome position (GRCh38, 1-based): chr9:134,810,294, G duplicated; the last of 5 consecutive G bases (chr9:134,810,290-134,810,294); duplicating any one gives the same sequence. VCF-style (leftmost placement, unchanged base first): chr9-134810289-A-AG. GRCh37 (hg19) VCF-style: chr9-137702135-A-AG.
Other names: c.3514dup, p.Asp1172fs (NM_001278074.1); short protein forms D1172fs.
Identifiers: ClinVar variation 1403805 (VCV001403805.6), dbSNP rs2132841152, ClinGen allele CA2573144141.

ClinVar aggregate classification (germline): Pathogenic (1 of 4 stars; one submission).

Conditions:
Ehlers-Danlos syndrome, classic type, 1 (EDSCL1). Also called: EHLERS-DANLOS SYNDROME, GRAVIS TYPE; EHLERS-DANLOS SYNDROME, SEVERE CLASSIC TYPE; Ehlers-Danlos syndrome, type 1; Ehlers-Danlos Syndrome, Classic Type, COL5A1-Related; EDS I. Identifiers: MedGen C0268335, MONDO:0019567, OMIM 130000.

Submission:

Labcorp Genetics (formerly Invitae), Labcorp
Classification: Pathogenic for Ehlers-Danlos syndrome, classic type, 1. Last evaluated: 2021-08-04. Review status: criteria provided, single submitter. Criteria: Invitae Variant Classification Sherloc (09022015). Collection method: clinical testing. Allele origin: germline.
Comment: For these reasons, this variant has been classified as Pathogenic. This variant has not been reported in the literature in individuals affected with COL5A1-related conditions. This variant is not present in population databases (ExAC no frequency). This sequence change creates a premature translational stop signal (p.Asp1172Glyfs*26) in the COL5A1 gene. It is expected to result in an absent or disrupted protein product. Loss-of-function variants in COL5A1 are known to be pathogenic (PMID: 23587214).

Literature cited by the submitters: PubMed 23587214.